The following is an entry in ClinVar:

NM_001080442.3(SLC38A8):c.913T>C (p.Ser305Pro)

Gene: SLC38A8 (solute carrier family 38 member 8; minus strand). Cytogenetic location: 16q23.3.
Variant type: single nucleotide variant.
Coding change: c.913T>C on transcript NM_001080442.3 (MANE Select); coding-DNA position 913, T replaced by C.
Protein change: p.Ser305Pro; replaces serine 305 with proline.
Molecular consequence: missense variant.
Genome position (GRCh38, 1-based): chr16:84,017,180, A>G on the plus strand (T>C on the coding strand, the complement: SLC38A8 is on the minus strand). VCF-style: chr16-84017180-A-G. GRCh37 (hg19) VCF-style: chr16-84050785-A-G.
Other names: short protein forms S305P.
Identifiers: ClinVar variation 383461 (VCV000383461.5), dbSNP rs1057521634, ClinGen allele CA16607450.

ClinVar aggregate classification (germline): Likely pathogenic. Review status: criteria provided, multiple submitters, no conflicts (2 of 4 stars). 2 submissions from 2 submitters: Likely pathogenic (2). Last evaluated 2020-04-08.

Conditions:
Foveal hypoplasia - optic nerve decussation defect - anterior segment dysgenesis syndrome. Also called: Foveal hypoplasia 2; FOVEAL HYPOPLASIA 2 WITH OR WITHOUT OPTIC NERVE MISROUTING AND/OR ANTERIOR SEGMENT DYSGENESIS; FOVEAL HYPOPLASIA 2 WITH OR WITHOUT MICROPHTHALMIA OR COLOBOMA; FOVEAL HYPOPLASIA 2 WITH OPTIC NERVE DECUSSATION DEFECTS AND ANTERIOR SEGMENT DYSGENESIS WITHOUT ALBINISM. Identifiers: Orphanet 397618, MedGen C3807873, MONDO:0012216, OMIM 609218.

Submissions (2):

Undiagnosed Diseases Network, NIH
Classification: Likely pathogenic for Foveal hypoplasia - optic nerve decussation defect - anterior segment dysgenesis syndrome. Last evaluated: 2020-04-08. Review status: criteria provided, single submitter. Criteria: ACMG Guidelines, 2015. Collection method: clinical testing. Allele origin: de novo. Inheritance: Autosomal recessive inheritance. Affected: yes. Observed: 1 variant allele, 1 compound heterozygote. Study: Undiagnosed Diseases Network (NIH), UDN.

GeneDx
Classification: Likely pathogenic. Last evaluated: 2016-01-26. Review status: criteria provided, single submitter. Criteria: GeneDx Variant Classification (06012015). Collection method: clinical testing. Allele origin: germline. Affected: yes.
Comment: The S305P variant in the SLC38A8 gene has not been reported previously as a pathogenic variant, nor as a benign variant, to our knowledge. The S305P variant was not observed in approximately 6500 individuals of European and African American ancestry in the NHLBI Exome Sequencing Project, indicating it is not a common benign variant in these populations. The S305P variant is a non-conservative amino acid substitution, which is likely to impact secondary protein structure as these residues differ in polarity, charge, size and/or other properties. This substitution occurs at a position that is conserved across species. In silico analysis is inconsistent in its predictions as to whether or not the variant is damaging to the protein structure/function. The S305P variant is a strong candidate for a pathogenic variant, however the possibility it may be a rare benign variant cannot be excluded.